The following is an entry in ClinVar:

NM_001904.4(CTNNB1):c.643G>T (p.Ala215Ser)

Genes: CTNNB1 (catenin beta 1; plus strand), LOC126806658 (BRD4-independent group 4 enhancer GRCh37_chr3:41265899-41267098; plus strand). Cytogenetic location: 3p22.1.
Variant type: single nucleotide variant.
Coding change: c.643G>T on transcript NM_001904.4 (MANE Select); coding-DNA position 643, G replaced by T.
Protein change: p.Ala215Ser; replaces alanine 215 with serine.
Molecular consequence: missense variant.
Genome position (GRCh38, 1-based): chr3:41,225,481, G>T. VCF-style: chr3-41225481-G-T. GRCh37 (hg19) VCF-style: chr3-41266972-G-T.
Other names: c.643G>T, p.Ala215Ser (NM_001098209.2, NM_001098210.2); c.622G>T, p.Ala208Ser (NM_001330729.2); short protein forms A208S, A215S.
Identifiers: ClinVar variation 2316730 (VCV002316730.5), dbSNP rs369771822, ClinGen allele CA352229758.

ClinVar aggregate classification (germline): Uncertain significance. Review status: criteria provided, multiple submitters, no conflicts (2 of 4 stars). 2 submissions from 2 submitters: Uncertain significance (2). Last evaluated 2024-03-11.

Conditions:
Inborn genetic diseases. Identifiers: MedGen C0950123, MeSH D030342.

gnomAD v4.1: 12 of 1,613,820 alleles (0.00074%); highest among the groups gnomAD compares: Non-Finnish European, 0.00093%; no homozygotes.

Submissions (2):

Labcorp Genetics (formerly Invitae), Labcorp
Classification: Uncertain significance. Last evaluated: 2024-03-11. Review status: criteria provided, single submitter. Criteria: Invitae Variant Classification Sherloc (09022015). Collection method: clinical testing. Allele origin: germline.
Comment: This sequence change replaces alanine, which is neutral and non-polar, with serine, which is neutral and polar, at codon 215 of the CTNNB1 protein (p.Ala215Ser). This variant is not present in population databases (gnomAD no frequency). This variant has not been reported in the literature in individuals affected with CTNNB1-related conditions. ClinVar contains an entry for this variant (Variation ID: 2316730). Advanced modeling of protein sequence and biophysical properties (such as structural, functional, and spatial information, amino acid conservation, physicochemical variation, residue mobility, and thermodynamic stability) performed at Invitae indicates that this missense variant is not expected to disrupt CTNNB1 protein function with a negative predictive value of 80%. In summary, the available evidence is currently insufficient to determine the role of this variant in disease. Therefore, it has been classified as a Variant of Uncertain Significance.

Ambry Genetics
Classification: Uncertain significance for Inborn genetic diseases. Last evaluated: 2022-10-04. Review status: criteria provided, single submitter. Criteria: Ambry Variant Classification Scheme 2023. Collection method: clinical testing. Allele origin: germline.